The following is an entry in ClinVar:

NM_006297.3(XRCC1):c.1713G>A (p.Gly571=)

Gene: XRCC1 (X-ray repair cross complementing 1; minus strand). Cytogenetic location: 19q13.31.
Variant type: single nucleotide variant.
Coding change: c.1713G>A on transcript NM_006297.3 (MANE Select); coding-DNA position 1713, G replaced by A.
Protein change: p.Gly571=; no amino-acid change (glycine 571 retained).
Molecular consequence: synonymous variant.
Genome position (GRCh38, 1-based): chr19:43,543,687, C>T on the plus strand (G>A on the coding strand, the complement: XRCC1 is on the minus strand). VCF-style: chr19-43543687-C-T. GRCh37 (hg19) VCF-style: chr19-44047839-C-T.
Other names: NC_000019.9:g.44047839C>T.
Identifiers: ClinVar variation 1675749 (VCV001675749.35), dbSNP rs2307182, ClinGen allele CA9488269.
Genomic context (GRCh38, chr19:43,543,687, plus strand): 5'-ATCCCATTCCTGTGCTGTGATCACAAACTGAACCCGGTCACTCATATAGTCCTCGAGCTC[C>T]CTGGCGGGAGAGAAGAAAAGAGGTAGAAGGCACATCAGGGAATCAGCACTGACGTCCTAC-3'
Protein context (NP_006288.2, residues 561-581): KLIRYVTAFN[Gly571=]ELEDYMSDRV

ClinVar aggregate classification (germline): Likely benign. Review status: criteria provided, multiple submitters, no conflicts (2 of 4 stars). 2 submissions from 2 submitters: Likely benign (2). Last evaluated 2026-09-01.

Allele frequency attached by ClinVar (database versions not stated): 1000 Genomes Project 0.00060; TOPMed 0.00105; gnomAD 0.00122 and 0.00129; gnomAD exomes 0.00125 and 0.00164; ExAC 0.00149; ESP Exome Variant Server 0.00154.

Submissions (4):

CeGaT Center for Human Genetics Tuebingen
Classification: Likely benign. Last evaluated: 2026-09-01. Review status: criteria provided, single submitter. Criteria: CeGaT Center For Human Genetics Tuebingen Variant Classification Criteria Version 2. Collection method: clinical testing. Allele origin: germline. Affected: yes. Observed: 14 variant alleles.
Comment: XRCC1: BP4, BP7

Blueprint Genetics
Classification: Likely benign. Last evaluated: 2024-11-06. Review status: criteria provided, single submitter. Criteria: ACMG Guidelines, 2015. Collection method: clinical testing. Allele origin: germline.

Dr. Peter K. Rogan Lab, Western University
No classification provided (evidence only). Condition: Malignant tumor of urinary bladder. Review status: no classification provided. Collection method: in vitro. Allele origin: not applicable. Functional consequence: retained intron. Not counted in ClinVar's aggregate classification.

Dr. Peter K. Rogan Lab, Western University
No classification provided (evidence only). Condition: Malignant tumor of urinary bladder. Review status: no classification provided. Collection method: in vitro. Allele origin: not applicable. Functional consequence: retained intron. Not counted in ClinVar's aggregate classification.